The following is an entry in ClinVar:

ClinVar aggregate classification (germline): Conflicting classifications of pathogenicity. Review status: criteria provided, conflicting classifications (1 of 4 stars). 3 submissions from 3 submitters: Uncertain significance (2); Likely benign (1). Last evaluated 2025-10-14.

Conditions:
Long QT syndrome (LQTS). Identifiers: MedGen C0023976, MeSH D008133, MONDO:0002442. Disease mechanism: loss of function. Inheritance: Various modes of inheritance.
Timothy syndrome (TS). Also called: LONG QT SYNDROME WITH SYNDACTYLY. Identifiers: Orphanet 65283, MedGen C1832916, MeSH C536962, MONDO:0010979, OMIM 601005.
Cardiovascular phenotype. Identifiers: MedGen CN230736.

Allele frequency attached by ClinVar (database versions not stated): ExAC 0.00001; gnomAD 0.00001; gnomAD exomes 0.00001; TOPMed 0.00002; ESP Exome Variant Server 0.00008.
gnomAD v4.1: 8 of 1,613,532 alleles (0.0005%); highest among the groups gnomAD compares: Admixed American, 0.0017%; no homozygotes.

Submissions (3):

Labcorp Genetics (formerly Invitae), Labcorp
Classification: Likely benign for Long QT syndrome. Last evaluated: 2025-10-14. Review status: criteria provided, single submitter. Criteria: Invitae Variant Classification Sherloc (09022015). Collection method: clinical testing. Allele origin: germline.

Ambry Genetics
Classification: Uncertain significance for Cardiovascular phenotype. Last evaluated: 2021-09-03. Review status: criteria provided, single submitter. Criteria: Ambry Variant Classification Scheme 2023. Collection method: clinical testing. Allele origin: germline.
Comment: The p.S1742L variant (also known as c.5225C>T), located in coding exon 42 of the CACNA1C gene, results from a C to T substitution at nucleotide position 5225. The serine at codon 1742 is replaced by leucine, an amino acid with dissimilar properties. This amino acid position is highly conserved in available vertebrate species. In addition, this alteration is predicted to be deleterious by in silico analysis. Since supporting evidence is limited at this time, the clinical significance of this alteration remains unclear.

New York Genome Center
Classification: Uncertain significance for Timothy syndrome. Last evaluated: 2019-10-10. Review status: criteria provided, single submitter. Criteria: NYGC Assertion Criteria 2020. Collection method: clinical testing. Allele origin: germline. Inheritance: Autosomal dominant inheritance. Observed: 1 heterozygote. Study: CSER-NYCKidSeq.

NM_000719.7(CACNA1C):c.5225C>T (p.Ser1742Leu)

Genes: CACNA1C (calcium voltage-gated channel subunit alpha1 C; plus strand), CACNA1C-AS1 (CACNA1C antisense RNA 1; minus strand). Cytogenetic location: 12p13.33.
Variant type: single nucleotide variant.
Coding change: c.5225C>T on transcript NM_000719.7 (MANE Select); coding-DNA position 5225, C replaced by T.
Protein change: p.Ser1742Leu; replaces serine 1742 with leucine.
Molecular consequence: missense variant.
Genome position (GRCh38, 1-based): chr12:2,679,577, C>T. VCF-style: chr12-2679577-C-T. GRCh37 (hg19) VCF-style: chr12-2788743-C-T.
Other names: c.5369C>T, p.Ser1790Leu (NM_001129827.2, NM_199460.4); c.5348C>T, p.Ser1783Leu (NM_001129829.2); c.5225C>T, p.Ser1742Leu (NM_001129830.3, NM_001129840.2, NM_001129841.2 and 4 more transcripts); c.5309C>T, p.Ser1770Leu (NM_001129831.2); c.5285C>T, p.Ser1762Leu (NM_001129832.2); c.5282C>T, p.Ser1761Leu (NM_001129833.2, NM_001129834.2, NM_001129835.2); c.5276C>T, p.Ser1759Leu (NM_001129836.2); c.5249C>T, p.Ser1750Leu (NM_001129837.2, NM_001129838.2); and 3 more; short protein forms S1742L, S1790L, S1748L, S1750L, S1761L, S1762L, S1770L, S1783L.
Identifiers: ClinVar variation 577869 (VCV000577869.14), dbSNP rs375571032, ClinGen allele CA6389734.